The following is an entry in ClinVar:

ClinVar aggregate classification (germline): Conflicting classifications of pathogenicity. Review status: criteria provided, conflicting classifications (1 of 4 stars). 8 submissions from 5 submitters: Uncertain significance (7); Likely benign (1). Last evaluated 2026-02-02.

Conditions:
Congenital myopathy 18. Also called: Myopathy, congenital, due to dihydropyridine receptor defect; DIHYDROPYRIDINE RECEPTOR CONGENITAL MYOPATHY; DHPR CONGENITAL MYOPATHY. Identifiers: MedGen C5830283, MONDO:0859514, OMIM 620246.
Hypokalemic periodic paralysis, type 1. Also called: HypoPP; Hypokalemic Periodic Paralysis Type 1 (AD). Identifiers: Orphanet 681, MedGen C3714580, MONDO:0042979, OMIM 170400.
Thyrotoxic periodic paralysis, susceptibility to, 1 (TTPP1). Identifiers: Orphanet 79102, MedGen C2749982, MONDO:0008570, OMIM 188580.
Malignant hyperthermia, susceptibility to, 5 (MHS5). Also called: CACNA1S-Related Malignant Hyperthermia Susceptibility. Identifiers: Orphanet 423, MedGen C1866077, MONDO:0011163, OMIM 601887.

Allele frequency attached by ClinVar (database versions not stated): gnomAD 0.00001; gnomAD exomes 0.00001; TOPMed 0.00002.
gnomAD v4.1: 7 of 1,613,898 alleles (0.00043%); highest among the groups gnomAD compares: Admixed American, 0.0033%; no homozygotes.

Submissions (8):

Labcorp Genetics (formerly Invitae), Labcorp
Classification: Likely benign for Hypokalemic periodic paralysis, type 1; Malignant hyperthermia, susceptibility to, 5. Last evaluated: 2026-02-02. Review status: criteria provided, single submitter. Criteria: Invitae Variant Classification Sherloc (09022015). Collection method: clinical testing. Allele origin: germline.

Color Diagnostics, LLC DBA Color Health
Classification: Uncertain significance for Malignant hyperthermia, susceptibility to, 5. Last evaluated: 2025-09-09. Review status: criteria provided, single submitter. Criteria: ACMG Guidelines, 2015. Collection method: clinical testing. Allele origin: germline.
Comment: This missense variant replaces glutamic acid with lysine at codon 749 of the CACNA1S protein. Computational prediction is inconclusive regarding the impact of this variant on protein structure and function. To our knowledge, functional studies have not been reported for this variant. This variant has not been reported in individuals affected with autosomal dominant malignant hyperthermia in the literature, although it has been reported in individuals affected with other phenotypes (PMID: 39350885). This variant has been identified in 2/251336 chromosomes in the general population by the Genome Aggregation Database (gnomAD). The available evidence is insufficient to determine the role of this variant in disease conclusively. Therefore, this variant is classified as a Variant of Uncertain Significance.

Revvity Omics, Revvity
Classification: Uncertain significance. Last evaluated: 2023-10-19. Review status: criteria provided, single submitter. Criteria: ACMG Guidelines, 2015. Collection method: clinical testing. Allele origin: germline.

Genome-Nilou Lab
Classification: Uncertain significance for Malignant hyperthermia, susceptibility to, 5. Last evaluated: 2023-04-11. Review status: criteria provided, single submitter. Criteria: ACMG Guidelines, 2015. Collection method: clinical testing. Allele origin: germline. Affected: no.

Genome-Nilou Lab
Classification: Uncertain significance for Thyrotoxic periodic paralysis, susceptibility to, 1. Last evaluated: 2023-04-11. Review status: criteria provided, single submitter. Criteria: ACMG Guidelines, 2015. Collection method: clinical testing. Allele origin: germline. Affected: no.

Genome-Nilou Lab
Classification: Uncertain significance for Congenital myopathy 18. Last evaluated: 2023-04-11. Review status: criteria provided, single submitter. Criteria: ACMG Guidelines, 2015. Collection method: clinical testing. Allele origin: germline. Affected: no.

Genome-Nilou Lab
Classification: Uncertain significance for Hypokalemic periodic paralysis, type 1. Last evaluated: 2023-04-11. Review status: criteria provided, single submitter. Criteria: ACMG Guidelines, 2015. Collection method: clinical testing. Allele origin: germline. Affected: no.

Fulgent Genetics
Classification: Uncertain significance for Hypokalemic periodic paralysis, type 1; Thyrotoxic periodic paralysis, susceptibility to, 1; Malignant hyperthermia, susceptibility to, 5. Last evaluated: 2021-09-17. Review status: criteria provided, single submitter. Criteria: ACMG Guidelines, 2015. Collection method: clinical testing. Allele origin: unknown.

Literature cited by the submitters: PubMed 39350885 (cited by Color Diagnostics, LLC DBA Color Health).

NM_000069.3(CACNA1S):c.2245G>A (p.Glu749Lys)

Gene: CACNA1S (calcium voltage-gated channel subunit alpha1 S; minus strand). Cytogenetic location: 1q32.1.
Variant type: single nucleotide variant.
Coding change: c.2245G>A on transcript NM_000069.3 (MANE Select); coding-DNA position 2245, G replaced by A.
Protein change: p.Glu749Lys; replaces glutamic acid 749 with lysine.
Molecular consequence: missense variant.
Genome position (GRCh38, 1-based): chr1:201,070,387, C>T on the plus strand (G>A on the coding strand, the complement: CACNA1S is on the minus strand). VCF-style: chr1-201070387-C-T. GRCh37 (hg19) VCF-style: chr1-201039515-C-T.
Other names: short protein forms E749K.
Identifiers: ClinVar variation 1011195 (VCV001011195.13), dbSNP rs1313818230, ClinGen allele CA344109538.
Genomic context (GRCh38, chr1:201,070,387, plus strand): 5'-TCTCTTTCAGCTGCAGCTCAGCCAGGGGACGTGGTCGGGGGCTCAGCGGGATCTCAGGCT[C>T]ATCTTCCTCGTCATCCCCTGTGGGGAGAGAGAGAGGAATTAGGGGTGTCTTCCCATGCTT-3'
Protein context (NP_000060.2, residues 739-759): ADFPGDDEED[Glu749Lys]PEIPLSPRPR